The following is an entry in ClinVar:

ClinVar aggregate classification (germline): Likely benign. Review status: criteria provided, single submitter (1 of 4 stars). 2 submissions from 2 submitters: Likely benign (1). 1 of the submissions does not count toward it. Last evaluated 2025-12-11.

Conditions:
ERCC3-related disorder. Also called: ERCC3-related condition.

Allele frequency attached by ClinVar (database versions not stated): ExAC 0.00002; gnomAD 0.00001; gnomAD exomes 0.00002; TOPMed 0.00002.
gnomAD v4.1: 34 of 1,614,012 alleles (0.0021%); highest among the groups gnomAD compares: South Asian, 0.0044%; no homozygotes.

Submissions (2):

Labcorp Genetics (formerly Invitae), Labcorp
Classification: Likely benign. Last evaluated: 2025-12-11. Review status: criteria provided, single submitter. Criteria: Invitae Variant Classification Sherloc (09022015). Collection method: clinical testing. Allele origin: germline.

PreventionGenetics, part of Exact Sciences
Classification: Likely benign for ERCC3-related condition. Last evaluated: 2019-07-15. Review status: no assertion criteria provided. Collection method: clinical testing. Allele origin: germline. Not counted in ClinVar's aggregate classification.
Comment: This variant is classified as likely benign based on ACMG/AMP sequence variant interpretation guidelines (Richards et al. 2015 PMID: 25741868, with internal and published modifications).

NM_000122.2(ERCC3):c.2259C>T (p.Ala753=)

Gene: ERCC3 (ERCC excision repair 3, TFIIH core complex helicase subunit; minus strand). Cytogenetic location: 2q14.3.
Variant type: single nucleotide variant.
Coding change: c.2259C>T on transcript NM_000122.2 (MANE Select); coding-DNA position 2259, C replaced by T.
Protein change: p.Ala753=; no amino-acid change (alanine 753 retained).
Molecular consequence: synonymous variant.
Genome position (GRCh38, 1-based): chr2:127,257,686, G>A on the plus strand (C>T on the coding strand, the complement: ERCC3 is on the minus strand). VCF-style: chr2-127257686-G-A. GRCh37 (hg19) VCF-style: chr2-128015262-G-A.
Other names: c.2067C>T, p.Ala689= (NM_001303416.2, NM_001303418.2).
Identifiers: ClinVar variation 2879083 (VCV002879083.5), dbSNP rs751002614, ClinGen allele CA1858022.